The following is an entry in ClinVar:

ClinVar aggregate classification (germline): Uncertain significance. Review status: criteria provided, multiple submitters, no conflicts (2 of 4 stars). 5 submissions from 5 submitters: Uncertain significance (5). Last evaluated 2026-01-14.

Conditions:
Colorectal cancer. Also called: Colorectal cancer, somatic; Malignant Colorectal Neoplasm. Identifiers: MedGen C0346629, MONDO:0005575, OMIM 114500.
Hereditary cancer-predisposing syndrome. Also called: Hereditary Cancer Syndrome; Hereditary neoplastic syndrome; Neoplastic Syndromes, Hereditary; Tumor predisposition. Identifiers: Orphanet 140162, MedGen C0027672, MeSH D009386, MONDO:0015356.
Oligodontia-cancer predisposition syndrome. Also called: TOOTH AGENESIS-COLORECTAL CANCER SYNDROME. Identifiers: Orphanet 300576, MedGen C1837750, MONDO:0012075, OMIM 608615. Disease mechanism: loss of function.

Allele frequency attached by ClinVar (database versions not stated): TOPMed below 0.00001; gnomAD 0.00001.
gnomAD v4.1: 14 of 1,559,074 alleles (0.0009%); highest among the groups gnomAD compares: Non-Finnish European, 0.0012%; no homozygotes.

Submissions (5):

Labcorp Genetics (formerly Invitae), Labcorp
Classification: Uncertain significance for Oligodontia-cancer predisposition syndrome. Last evaluated: 2026-01-14. Review status: criteria provided, single submitter. Criteria: Invitae Variant Classification Sherloc (09022015). Collection method: clinical testing. Allele origin: germline.
Comment: This sequence change replaces histidine, which is basic and polar, with tyrosine, which is neutral and polar, at codon 474 of the AXIN2 protein (p.His474Tyr). This variant is present in population databases (no rsID available, gnomAD 0.007%). This variant has not been reported in the literature in individuals affected with AXIN2-related conditions. ClinVar contains an entry for this variant (Variation ID: 408780). An algorithm developed to predict the effect of missense changes on protein structure and function (PolyPhen-2) suggests that this variant is likely to be tolerated. In summary, the available evidence is currently insufficient to determine the role of this variant in disease. Therefore, it has been classified as a Variant of Uncertain Significance.

Ambry Genetics
Classification: Uncertain significance for Hereditary cancer-predisposing syndrome. Last evaluated: 2024-10-17. Review status: criteria provided, single submitter. Criteria: Ambry Variant Classification Scheme 2023. Collection method: clinical testing. Allele origin: germline.
Comment: The p.H474Y variant (also known as c.1420C>T), located in coding exon 5 of the AXIN2 gene, results from a C to T substitution at nucleotide position 1420. The histidine at codon 474 is replaced by tyrosine, an amino acid with similar properties. This amino acid position is not well conserved in available vertebrate species. In addition, this alteration is predicted to be tolerated by in silico analysis. Since supporting evidence is limited at this time, the clinical significance of this alteration remains unclear.

St. Jude Molecular Pathology, St. Jude Children's Research Hospital
Classification: Uncertain significance for Oligodontia-cancer predisposition syndrome. Last evaluated: 2024-08-09. Review status: criteria provided, single submitter. Criteria: St. Jude Assertion Criteria 2020. Collection method: clinical testing. Allele origin: germline.
Comment: The AXIN2 c.1420C>T (p.His474Tyr) missense change has a maximum subpopulation frequency of 0.007% in gnomAD v2.1.1. The in silico tool REVEL predicts a benign effect on protein function, but to our knowledge this prediction has not been confirmed by functional studies. To our knowledge, this variant has not been reported in the literature in individuals with oligodontia-cancer predisposition syndrome. In summary, the evidence currently available is insufficient to determine the clinical significance of this variant. It has therefore been classified as of uncertain significance.

Baylor Genetics
Classification: Uncertain significance for Colorectal cancer. Last evaluated: 2023-09-11. Review status: criteria provided, single submitter. Criteria: ACMG Guidelines, 2015. Collection method: clinical testing. Allele origin: unknown.

GeneDx
Classification: Uncertain significance. Last evaluated: 2022-12-23. Review status: criteria provided, single submitter. Criteria: GeneDx Variant Classification Process June 2021. Collection method: clinical testing. Allele origin: germline. Affected: yes.
Comment: Not observed at significant frequency in large population cohorts (gnomAD); In silico analysis supports that this missense variant does not alter protein structure/function; Has not been previously published as pathogenic or benign to our knowledge; This variant is associated with the following publications: (PMID: 15735151)

NM_004655.4(AXIN2):c.1420C>T (p.His474Tyr)

Gene: AXIN2 (axin 2; minus strand). Cytogenetic location: 17q24.1.
Variant type: single nucleotide variant.
Coding change: c.1420C>T on transcript NM_004655.4 (MANE Select); coding-DNA position 1420, C replaced by T.
Protein change: p.His474Tyr; replaces histidine 474 with tyrosine.
Molecular consequence: missense variant.
Genome position (GRCh38, 1-based): chr17:65,537,616, G>A on the plus strand (C>T on the coding strand, the complement: AXIN2 is on the minus strand). VCF-style: chr17-65537616-G-A. GRCh37 (hg19) VCF-style: chr17-63533734-G-A.
Other names: c.1420C>T (LRG_296t1); c.1420C>T, p.His474Tyr (NM_001363813.1); short protein forms H474Y.
Identifiers: ClinVar variation 408780 (VCV000408780.15), dbSNP rs1060502132, ClinGen allele CA16615917.